The following is an entry in ClinVar:

ClinVar aggregate classification (germline): Uncertain significance (1 of 4 stars; one submission).

Conditions:
Episodic kinesigenic dyskinesia (EKD). Also called: Paroxysmal kinesigenic dyskinesia. Identifiers: Orphanet 98809, MedGen C1868682, MONDO:0044202.

Submission:

Labcorp Genetics (formerly Invitae), Labcorp
Classification: Uncertain significance for Episodic kinesigenic dyskinesia. Last evaluated: 2022-02-02. Review status: criteria provided, single submitter. Criteria: Invitae Variant Classification Sherloc (09022015). Collection method: clinical testing. Allele origin: germline.
Comment: In summary, the available evidence is currently insufficient to determine the role of this variant in disease. Therefore, it has been classified as a Variant of Uncertain Significance. Algorithms developed to predict the effect of missense changes on protein structure and function are either unavailable or do not agree on the potential impact of this missense change (SIFT: "Deleterious"; PolyPhen-2: "Benign"; Align-GVGD: "Class C0"). This variant has not been reported in the literature in individuals affected with PRRT2-related conditions. This variant is not present in population databases (gnomAD no frequency). This sequence change replaces serine, which is neutral and polar, with threonine, which is neutral and polar, at codon 124 of the PRRT2 protein (p.Ser124Thr).

NM_145239.3(PRRT2):c.370T>A (p.Ser124Thr)

Genes: MVP-DT (MVP divergent transcript; minus strand), PRRT2 (proline rich transmembrane protein 2; plus strand). Cytogenetic location: 16p11.2.
Variant type: single nucleotide variant.
Coding change: c.370T>A on transcript NM_145239.3 (MANE Select); coding-DNA position 370, T replaced by A.
Protein change: p.Ser124Thr; replaces serine 124 with threonine.
Molecular consequence: missense variant.
Genome position (GRCh38, 1-based): chr16:29,813,424, T>A. VCF-style: chr16-29813424-T-A. GRCh37 (hg19) VCF-style: chr16-29824745-T-A.
Other names: c.370T>A, p.Ser124Thr (NM_001256442.2, NM_001256443.2); short protein forms S124T.
Identifiers: ClinVar variation 1435863 (VCV001435863.8), dbSNP rs1191221100, ClinGen allele CA395478403.
Genomic context (GRCh38, chr16:29,813,424, plus strand): 5'-CCATGCCAAGAAACAGTGTCCAAACCAGAAGTGAGCAAAGAGGCCACTGCAGACCAGGGG[T>A]CCAGGCTGGAGTCTGCAGCCCCACCTGAACCAGCCCCAGAGCCTGCTCCCCAACCAGACC-3'
Protein context (NP_660282.2, residues 114-134): VSKEATADQG[Ser124Thr]RLESAAPPEP